The following is an entry in ClinVar:

ClinVar aggregate classification (germline): Uncertain significance (1 of 4 stars; one submission).

Conditions:
Ataxia-telangiectasia syndrome (AT). Also called: Ataxia-telangiectasia, complementation group E; Ataxia telangiectasia (A-T); Cerebello-oculocutaneous telangiectasia; Immunodeficiency with ataxia telangiectasia; Ataxia-telangiectasia, complementation group D; ATAXIA-TELANGIECTASIA, COMPLEMENTATION GROUP A. Identifiers: Orphanet 100, MedGen C0004135, MONDO:0008840, OMIM 208900.

gnomAD v4.1: 4 of 1,613,896 alleles (0.00025%); highest among the groups gnomAD compares: Non-Finnish European, 0.00034%; no homozygotes.

Submission:

Labcorp Genetics (formerly Invitae), Labcorp
Classification: Uncertain significance for Ataxia-telangiectasia syndrome. Last evaluated: 2022-10-24. Review status: criteria provided, single submitter. Criteria: Invitae Variant Classification Sherloc (09022015). Collection method: clinical testing. Allele origin: germline.
Comment: This variant is not present in population databases (gnomAD no frequency). In summary, the available evidence is currently insufficient to determine the role of this variant in disease. Therefore, it has been classified as a Variant of Uncertain Significance. Advanced modeling of protein sequence and biophysical properties (such as structural, functional, and spatial information, amino acid conservation, physicochemical variation, residue mobility, and thermodynamic stability) performed at Invitae indicates that this missense variant is not expected to disrupt ATM protein function. This variant has not been reported in the literature in individuals affected with ATM-related conditions. This sequence change replaces lysine, which is basic and polar, with glutamine, which is neutral and polar, at codon 92 of the ATM protein (p.Lys92Gln).

NM_000051.4(ATM):c.274A>C (p.Lys92Gln)

Gene: ATM (ATM serine/threonine kinase; plus strand). Cytogenetic location: 11q22.3.
Variant type: single nucleotide variant.
Coding change: c.274A>C on transcript NM_000051.4 (MANE Select); coding-DNA position 274, A replaced by C.
Protein change: p.Lys92Gln; replaces lysine 92 with glutamine.
Molecular consequence: missense variant.
Genome position (GRCh38, 1-based): chr11:108,229,266, A>C. VCF-style: chr11-108229266-A-C. GRCh37 (hg19) VCF-style: chr11-108099993-A-C.
Other names: c.274A>C, p.Lys92Gln (NM_001351834.2, NM_001351835.2, NM_001351836.2); short protein forms K92Q.
Identifiers: ClinVar variation 1970842 (VCV001970842.5), dbSNP rs756969590, ClinGen allele CA382521654.